The following is an entry in ClinVar:

ClinVar aggregate classification (germline): Conflicting classifications of pathogenicity. Review status: criteria provided, conflicting classifications (1 of 4 stars). 2 submissions from 2 submitters: Uncertain significance (1); Likely benign (1). Last evaluated 2023-03-23.

Conditions:
Hereditary cancer-predisposing syndrome. Also called: Hereditary neoplastic syndrome; Hereditary Cancer Syndrome; Tumor predisposition; Neoplastic Syndromes, Hereditary. Identifiers: Orphanet 140162, MedGen C0027672, MeSH D009386, MONDO:0015356.
Hereditary breast ovarian cancer syndrome. Also called: BRCA1- and BRCA2-Associated Hereditary Breast and Ovarian Cancer; Hereditary breast and ovarian cancer syndrome (HBOC); Hereditary breast and/or ovarian cancer syndrome; Hereditary breast and ovarian cancer; Breast and ovarian cancer; Hereditary breast and ovarian cancer syndrome. Identifiers: Orphanet 145, MedGen C0677776, MeSH D061325, MONDO:0003582. Disease mechanism: loss of function.

Submissions (2):

University of Washington Department of Laboratory Medicine, University of Washington
Classification: Likely benign for Hereditary cancer-predisposing syndrome. Last evaluated: 2023-03-23. Review status: criteria provided, single submitter. Criteria: Dines et al. (Genet Med. 2020). Collection method: curation. Allele origin: germline.
Comment: Missense variant in a coldspot region where missense variants are very unlikely to be pathogenic (PMID:31911673).

BRCA1 coldspot (exon 11 using historical exon numbering). Reclassification based on statistical prior probability

Labcorp Genetics (formerly Invitae), Labcorp
Classification: Uncertain significance for Hereditary breast ovarian cancer syndrome. Last evaluated: 2022-06-15. Review status: criteria provided, single submitter. Criteria: Invitae Variant Classification Sherloc (09022015). Collection method: clinical testing. Allele origin: germline.
Comment: This sequence change replaces proline, which is neutral and non-polar, with alanine, which is neutral and non-polar, at codon 1020 of the BRCA1 protein (p.Pro1020Ala). This variant is not present in population databases (gnomAD no frequency). This variant has not been reported in the literature in individuals affected with BRCA1-related conditions. Advanced modeling of protein sequence and biophysical properties (such as structural, functional, and spatial information, amino acid conservation, physicochemical variation, residue mobility, and thermodynamic stability) performed at Invitae indicates that this missense variant is not expected to disrupt BRCA1 protein function. In summary, the available evidence is currently insufficient to determine the role of this variant in disease. Therefore, it has been classified as a Variant of Uncertain Significance.

NM_007294.4(BRCA1):c.3058C>G (p.Pro1020Ala)

Gene: BRCA1 (BRCA1 DNA repair associated; minus strand). Cytogenetic location: 17q21.31.
Variant type: single nucleotide variant.
Coding change: c.3058C>G on transcript NM_007294.4 (MANE Select); coding-DNA position 3058, C replaced by G.
Protein change: p.Pro1020Ala; replaces proline 1020 with alanine.
Molecular consequence: missense variant. On other transcripts: intron variant (137).
Genome position (GRCh38, 1-based): chr17:43,092,473, G>C on the plus strand (C>G on the coding strand, the complement: BRCA1 is on the minus strand). VCF-style: chr17-43092473-G-C. GRCh37 (hg19) VCF-style: chr17-41244490-G-C.
Other names: c.3058C>G, p.Pro1020Ala (NM_001407858.1, NM_001407859.1, NM_007300.4 and 30 more transcripts); c.3055C>G, p.Pro1019Ala (NM_001407860.1, NM_001407861.1, NM_001407587.1 and 22 more transcripts); c.2857C>G, p.Pro953Ala (NM_001407862.1); c.2935C>G, p.Pro979Ala (NM_001407863.1, NM_001407919.1, NM_001407937.1 and 19 more transcripts); c.2854C>G, p.Pro952Ala (NM_001407874.1, NM_001407875.1); c.2848C>G, p.Pro950Ala (NM_001407879.1, NM_001407881.1, NM_001407882.1 and 13 more transcripts); c.2845C>G, p.Pro949Ala (NM_001407894.1, NM_001407895.1, NM_001407896.1 and 9 more transcripts); c.2794C>G, p.Pro932Ala (NM_001407920.1, NM_001407921.1, NM_001407922.1 and 9 more transcripts); and 41 more; short protein forms P1019A, P950A, P953A, P978A, P993A, P1020A, P724A, P949A.
Identifiers: ClinVar variation 2006887 (VCV002006887.6), dbSNP rs2154344816, ClinGen allele CA10595872.